The following is an entry in ClinVar:

ClinVar aggregate classification (germline): Uncertain significance (0 of 4 stars; one submission).

Conditions:
NR0B2-related disorder. Also called: NR0B2-related condition.

Submission:

PreventionGenetics, part of Exact Sciences
Classification: Uncertain significance for NR0B2-related condition. Last evaluated: 2024-03-18. Review status: no assertion criteria provided. Collection method: clinical testing. Allele origin: germline.
Comment: The NR0B2 c.172dupG variant is predicted to result in a frameshift and premature protein termination (p.Glu58Glyfs*51). To our knowledge, this variant has not been reported in the literature. This variant is reported in 1 of ~217,000 alleles in gnomAD. Heterozygous chain-terminating variants have been associated with mild obesity in a small number of subjects in the literature (Nishigori et al. 2001. PubMed ID: 11136233). In contrast, genomic data from the gnomAD cohort suggests that NR0B2 is tolerant to chain-terminating variants. Therefore, although we suspect this variant may be pathogenic, at this time, the clinical significance of this variant is uncertain due to the absence of conclusive functional and genetic evidence.

NM_021969.3(NR0B2):c.172dup (p.Glu58fs)

Genes: NR0B2 (nuclear receptor subfamily 0 group B member 2; minus strand), NUDC (nuclear distribution C, dynein complex regulator; plus strand). Cytogenetic location: 1p36.11.
Variant type: Duplication.
Coding change: c.172dup on transcript NM_021969.3 (MANE Select); coding-DNA position 172, one base duplicated (G; older notation c.172dupG).
Protein change: p.Glu58fs; shifts the reading frame from glutamic acid 58.
Molecular consequence: frameshift variant.
Genome position (GRCh38, 1-based): chr1:26,913,769, C duplicated on the plus strand (G on the coding strand, the reverse complement: NR0B2 is on the minus strand); the first of 3 consecutive C bases (chr1:26,913,769-26,913,771); duplicating any one gives the same sequence. VCF-style (leftmost placement, unchanged base first): chr1-26913768-T-TC. GRCh37 (hg19) VCF-style: chr1-27240259-T-TC.
Other names: short protein forms E58fs.
Identifiers: ClinVar variation 3348982 (VCV003348982.1).
Genomic context (GRCh38, chr1:26,913,768, plus strand): 5'-TGCCAGAAGGATGGCAGGTTCCTGAGGAAGGCCACTGTCTTGGCCAGAACATCCAAGGCC[T>TC]CCCGGCAGGTGCGATGAGGTGCACATAGCTGGACGGGCCGGTGCTGCCTACATAGGCAGC-3'